The following is an entry in ClinVar:

NM_003200.5(TCF3):c.814G>A (p.Glu272Lys)

Gene: TCF3 (transcription factor 3; minus strand). Cytogenetic location: 19p13.3.
Variant type: single nucleotide variant.
Coding change: c.814G>A on transcript NM_003200.5 (MANE Select); coding-DNA position 814, G replaced by A.
Protein change: p.Glu272Lys; replaces glutamic acid 272 with lysine.
Molecular consequence: missense variant.
Genome position (GRCh38, 1-based): chr19:1,622,062, C>T on the plus strand (G>A on the coding strand, the complement: TCF3 is on the minus strand). VCF-style: chr19-1622062-C-T. GRCh37 (hg19) VCF-style: chr19-1622061-C-T.
Other names: c.814G>A, p.Glu272Lys (NM_001136139.4, NM_001351778.2, NM_001351779.2); short protein forms E272K.
Identifiers: ClinVar variation 3608137 (VCV003608137.2).

ClinVar aggregate classification (germline): Uncertain significance (1 of 4 stars; one submission).

gnomAD v4.1: 11 of 1,604,714 alleles (0.00069%); highest among the groups gnomAD compares: African/African-American, 0.004%; no homozygotes.

Submission:

Labcorp Genetics (formerly Invitae), Labcorp
Classification: Uncertain significance. Last evaluated: 2024-12-10. Review status: criteria provided, single submitter. Criteria: Invitae Variant Classification Sherloc (09022015). Collection method: clinical testing. Allele origin: germline.
Comment: This sequence change replaces glutamic acid, which is acidic and polar, with lysine, which is basic and polar, at codon 272 of the TCF3 protein (p.Glu272Lys). This variant is present in population databases (rs756920681, gnomAD 0.008%). This variant has not been reported in the literature in individuals affected with TCF3-related conditions. Invitae Evidence Modeling of protein sequence and biophysical properties (such as structural, functional, and spatial information, amino acid conservation, physicochemical variation, residue mobility, and thermodynamic stability) indicates that this missense variant is not expected to disrupt TCF3 protein function with a negative predictive value of 80%. In summary, the available evidence is currently insufficient to determine the role of this variant in disease. Therefore, it has been classified as a Variant of Uncertain Significance.